The following is an entry in ClinVar:

NM_006517.5(SLC16A2):c.57C>A (p.Asp19Glu)

Gene: SLC16A2 (solute carrier family 16 member 2; plus strand). Cytogenetic location: Xq13.2.
Variant type: single nucleotide variant.
Coding change: c.57C>A on transcript NM_006517.5 (MANE Select); coding-DNA position 57, C replaced by A.
Protein change: p.Asp19Glu; replaces aspartic acid 19 with glutamic acid.
Molecular consequence: missense variant.
Genome position (GRCh38, 1-based): chrX:74,421,694, C>A. VCF-style: chrX-74421694-C-A. GRCh37 (hg19) VCF-style: chrX-73641529-C-A.
Other names: short protein forms D19E.
Identifiers: ClinVar variation 1305411 (VCV001305411.2), dbSNP rs1470979712, ClinGen allele CA413655681.
Genomic context (GRCh38, chrX:74,421,694, plus strand): 5'-CGCGATGGCGCTGCAAAGCCAGGCGAGCGAGGAAGCAAAGGGGCCCTGGCAGGAGGCAGA[C>A]CAGGAACAGCAGGAGCCGGTGGGTAGCCCAGAGCCGGAGTCTGAGCCGGAGCCTGAGCCC-3'
Protein context (NP_006508.2, residues 9-29): EEAKGPWQEA[Asp19Glu]QEQQEPVGSP

ClinVar aggregate classification (germline): Uncertain significance (1 of 4 stars; one submission).

gnomAD v4.1: 2 of 1,193,184 alleles (0.00017%); highest among the groups gnomAD compares: Non-Finnish European, 0.00023%; no homozygotes.

Submission:

GeneDx
Classification: Uncertain significance. Last evaluated: 2019-05-07. Review status: criteria provided, single submitter. Criteria: GeneDx Variant Classification Process June 2021. Collection method: clinical testing. Allele origin: germline. Affected: yes.
Comment: Not observed in large population cohorts (Lek et al., 2016); Has not been previously published as pathogenic or benign to our knowledge